The following is an entry in ClinVar:

ClinVar aggregate classification (germline): Benign/Likely benign. Review status: criteria provided, multiple submitters, no conflicts (2 of 4 stars). 3 submissions from 3 submitters: Benign (1); Likely benign (2). Last evaluated 2026-09-13.

Conditions:
Hereditary nonpolyposis colorectal neoplasms. Identifiers: MedGen C0009405, MeSH D003123.
Lynch syndrome 5 (LYNCH5). Also called: Colorectal cancer, hereditary nonpolyposis, type 5; Hereditary non-polyposis colorectal cancer, type 5. Identifiers: Orphanet 144, MedGen C1833477, MONDO:0013710, OMIM 614350. Disease mechanism: loss of function.
Hereditary cancer-predisposing syndrome. Also called: Neoplastic Syndromes, Hereditary; Tumor predisposition; Hereditary Cancer Syndrome; Hereditary neoplastic syndrome. Identifiers: Orphanet 140162, MedGen C0027672, MeSH D009386, MONDO:0015356.

Allele frequency attached by ClinVar (database versions not stated): gnomAD exomes below 0.00001.
gnomAD v4.1: 4 of 1,614,032 alleles (0.00025%); highest among the groups gnomAD compares: Non-Finnish European, 0.00034%; no homozygotes.

Submissions (3):

Ambry Genetics
Classification: Likely benign for Hereditary cancer-predisposing syndrome. Last evaluated: 2026-09-13. Review status: criteria provided, single submitter. Criteria: Ambry Variant Classification Scheme 2023. Collection method: clinical testing. Allele origin: germline.

Labcorp Genetics (formerly Invitae), Labcorp
Classification: Likely benign for Hereditary nonpolyposis colorectal neoplasms. Last evaluated: 2025-01-14. Review status: criteria provided, single submitter. Criteria: Invitae Variant Classification Sherloc (09022015). Collection method: clinical testing. Allele origin: germline.

Myriad Genetics, Inc.
Classification: Benign for Lynch syndrome 5. Last evaluated: 2024-12-31. Review status: criteria provided, single submitter. Criteria: Myriad Autosomal Dominant, Autosomal Recessive and X-Linked Classification Criteria (2023). Collection method: clinical testing. Allele origin: unknown.
Comment: This variant is considered benign. This variant is a silent/synonymous amino acid change and it is not expected to impact splicing.

NM_000179.3(MSH6):c.2434C>T (p.Leu812=)

Gene: MSH6 (mutS homolog 6; plus strand). Cytogenetic location: 2p16.3.
Variant type: single nucleotide variant.
Coding change: c.2434C>T on transcript NM_000179.3 (MANE Select); coding-DNA position 2434, C replaced by T.
Protein change: p.Leu812=; no amino-acid change (leucine 812 retained).
Molecular consequence: synonymous variant.
Genome position (GRCh38, 1-based): chr2:47,800,417, C>T. VCF-style: chr2-47800417-C-T. GRCh37 (hg19) VCF-style: chr2-48027556-C-T.
Other names: c.2044C>T, p.Leu682= (NM_001281492.2); c.1528C>T, p.Leu510= (NM_001281493.2, NM_001281494.2); c.2434C>T (NM_000179.2).
Identifiers: ClinVar variation 1124776 (VCV001124776.11), dbSNP rs876661054, ClinGen allele CA426121874.
Genomic context (GRCh38, chr2:47,800,417, plus strand): 5'-CTAGATGCCATAGAAGACCTCATGGTTGTGCCTGACAAAATCTCCGAAGTTGTAGAGCTT[C>T]TAAAGAAGCTTCCAGATCTTGAGAGGCTACTCAGTAAAATTCATAATGTTGGGTCTCCCC-3'
Protein context (NP_000170.1, residues 802-822): PDKISEVVEL[Leu812=]KKLPDLERLL